The following is an entry in ClinVar:

ClinVar aggregate classification (germline): Uncertain significance. Review status: criteria provided, multiple submitters, no conflicts (2 of 4 stars). 2 submissions from 2 submitters: Uncertain significance (2). Last evaluated 2024-09-17.

gnomAD v4.1: 1 of 1,613,726 alleles (0.000062%); highest among the groups gnomAD compares: African/African-American, 0.0013%; no homozygotes.

Submissions (2):

GeneDx
Classification: Uncertain significance. Last evaluated: 2024-09-17. Review status: criteria provided, single submitter. Criteria: GeneDx Variant Classification Process June 2021. Collection method: clinical testing. Allele origin: germline. Affected: yes.
Comment: Not observed at significant frequency in large population cohorts (gnomAD); In silico analysis supports that this missense variant has a deleterious effect on protein structure/function; Has not been previously published as pathogenic or benign to our knowledge

Labcorp Genetics (formerly Invitae), Labcorp
Classification: Uncertain significance. Last evaluated: 2024-04-12. Review status: criteria provided, single submitter. Criteria: Invitae Variant Classification Sherloc (09022015). Collection method: clinical testing. Allele origin: germline.
Comment: This sequence change replaces glycine, which is neutral and non-polar, with arginine, which is basic and polar, at codon 1298 of the SCN3A protein (p.Gly1298Arg). This variant is not present in population databases (gnomAD no frequency). This variant has not been reported in the literature in individuals affected with SCN3A-related conditions. ClinVar contains an entry for this variant (Variation ID: 1328886). Advanced modeling of protein sequence and biophysical properties (such as structural, functional, and spatial information, amino acid conservation, physicochemical variation, residue mobility, and thermodynamic stability) has been performed at Invitae for this missense variant, however the output from this modeling did not meet the statistical confidence thresholds required to predict the impact of this variant on SCN3A protein function. In summary, the available evidence is currently insufficient to determine the role of this variant in disease. Therefore, it has been classified as a Variant of Uncertain Significance.

NM_006922.4(SCN3A):c.3892G>C (p.Gly1298Arg)

Gene: SCN3A (sodium voltage-gated channel alpha subunit 3; minus strand). Cytogenetic location: 2q24.3.
Variant type: single nucleotide variant.
Coding change: c.3892G>C on transcript NM_006922.4 (MANE Select); coding-DNA position 3892, G replaced by C.
Protein change: p.Gly1298Arg; replaces glycine 1298 with arginine.
Molecular consequence: missense variant.
Genome position (GRCh38, 1-based): chr2:165,100,376, C>G on the plus strand (G>C on the coding strand, the complement: SCN3A is on the minus strand). VCF-style: chr2-165100376-C-G. GRCh37 (hg19) VCF-style: chr2-165956886-C-G.
Other names: c.3745G>C, p.Gly1249Arg (NM_001081676.2, NM_001081677.2); short protein forms G1249R, G1298R.
Identifiers: ClinVar variation 1328886 (VCV001328886.5), dbSNP rs375050462, ClinGen allele CA349028252.